The following is an entry in ClinVar:

NM_001005273.3(CHD3):c.2773C>T (p.Leu925Phe)

Gene: CHD3 (chromodomain helicase DNA binding protein 3; plus strand). Cytogenetic location: 17p13.1.
Variant type: single nucleotide variant.
Coding change: c.2773C>T on transcript NM_001005273.3 (MANE Select); coding-DNA position 2773, C replaced by T.
Protein change: p.Leu925Phe; replaces leucine 925 with phenylalanine.
Molecular consequence: missense variant.
Genome position (GRCh38, 1-based): chr17:7,900,380, C>T. VCF-style: chr17-7900380-C-T. GRCh37 (hg19) VCF-style: chr17-7803698-C-T.
Other names: c.2950C>T, p.Leu984Phe (NM_001005271.3); c.2773C>T, p.Leu925Phe (NM_005852.4); short protein forms L925F, L984F.
Identifiers: ClinVar variation 3906529 (VCV003906529.1).
Genomic context (GRCh38, chr17:7,900,380, plus strand): 5'-GATCATAAGTTGCTGCTGACAGGAACCCCATTGCAGAATAATCTGGAGGAGCTCTTCCAT[C>T]TCCTGAACTTCCTCACCCCAGAGAGATTTAAGTAAGTGGTTCCCTAAGGGTAGTTGGCAG-3'
Protein context (NP_001005273.1, residues 915-935): LQNNLEELFH[Leu925Phe]LNFLTPERFN

ClinVar aggregate classification (germline): Uncertain significance (1 of 4 stars; one submission).

Submission:

GeneDx
Classification: Uncertain significance. Last evaluated: 2024-12-23. Review status: criteria provided, single submitter. Criteria: GeneDx Variant Classification Process June 2021. Collection method: clinical testing. Allele origin: germline. Affected: yes.
Comment: Not observed at significant frequency in large population cohorts (gnomAD); In silico analysis supports that this missense variant has a deleterious effect on protein structure/function; Has not been previously published as pathogenic or benign to our knowledge